The following is an entry in ClinVar:

NM_005881.4(BCKDK):c.1212T>C (p.Asp404=)

Gene: BCKDK (branched chain keto acid dehydrogenase kinase; plus strand). Cytogenetic location: 16p11.2.
Variant type: single nucleotide variant.
Coding change: c.1212T>C on transcript NM_005881.4 (MANE Select); coding-DNA position 1212, T replaced by C.
Protein change: p.Asp404=; no amino-acid change (aspartic acid 404 retained).
Molecular consequence: synonymous variant. On other transcripts: 3 prime UTR variant (2).
Genome position (GRCh38, 1-based): chr16:31,112,238, T>C. VCF-style: chr16-31112238-T-C. GRCh37 (hg19) VCF-style: chr16-31123559-T-C.
Other names: c.*207T>C (NM_001122957.4, NM_001271926.3).
Identifiers: ClinVar variation 1694794 (VCV001694794.31), dbSNP rs55939386, ClinGen allele CA8021806.

ClinVar aggregate classification (germline): Likely benign (1 of 4 stars; one submission).

Allele frequency attached by ClinVar (database versions not stated): ExAC 0.00003; gnomAD exomes 0.00003 and 0.00006; gnomAD 0.00005 and 0.00006; TOPMed 0.00005.
gnomAD v4.1: 101 of 1,610,714 alleles (0.0063%); highest among the groups gnomAD compares: Non-Finnish European, 0.0082%; no homozygotes.

Submission:

CeGaT Center for Human Genetics Tuebingen
Classification: Likely benign. Last evaluated: 2022-06-01. Review status: criteria provided, single submitter. Criteria: CeGaT Center For Human Genetics Tuebingen Variant Classification Criteria Version 2. Collection method: clinical testing. Allele origin: germline. Affected: yes. Observed: 1 variant allele.
Comment: BCKDK: BP4, BP7